The following is an entry in ClinVar:

ClinVar aggregate classification (germline): Likely benign (1 of 4 stars; one submission).

Submission:

Laboratory for Molecular Medicine, Mass General Brigham Personalized Medicine
Classification: Likely benign. Last evaluated: 2015-03-27. Review status: criteria provided, single submitter. Criteria: LMM Criteria. Collection method: clinical testing. Allele origin: germline. Observed: 1 variant allele.
Comment: p.Lys20614Lys in exon 274 of TTN: This variant is not expected to have clinical significance because it does not alter an amino acid residue and is not located within the splice consensus sequence.

NM_001267550.2(TTN):c.69546A>G (p.Lys23182=)

Genes: TTN-AS1 (TTN antisense RNA 1; plus strand), TTN (titin; minus strand). Cytogenetic location: 2q31.2.
Variant type: single nucleotide variant.
Coding change: c.69546A>G on transcript NM_001267550.2 (MANE Select); coding-DNA position 69546, A replaced by G.
Protein change: p.Lys23182=; no amino-acid change (lysine 23182 retained).
Molecular consequence: synonymous variant.
Genome position (GRCh38, 1-based): chr2:178,576,698, T>C on the plus strand (A>G on the coding strand, the complement: TTN is on the minus strand). VCF-style: chr2-178576698-T-C. GRCh37 (hg19) VCF-style: chr2-179441425-T-C.
Other names: c.61842A>G, p.Lys20614= (NM_133378.4); c.64623A>G, p.Lys21541= (NM_001256850.1); c.42351A>G, p.Lys14117= (NM_003319.4); c.42726A>G, p.Lys14242= (NM_133432.3); c.42927A>G, p.Lys14309= (NM_133437.4).
Identifiers: ClinVar variation 228134 (VCV000228134.5), dbSNP rs876657613, ClinGen allele CA10576490.
Genomic context (GRCh38, chr2:178,576,698, plus strand): 5'-TGTTACTTTGCACCTGAGATCGGAAACTGGTGTTTTTATTGCTCTCACCCATCGCAGGCT[T>C]TTCTTTTCTCTCCTTTCTACATGATATCCTGTAATTTCGCTGCCACCATCATCCACTGGC-3'
Protein context (NP_001254479.2, residues 23172-23192): TGYHVERREK[Lys23182=]SLRWVRAIKT